The following is an entry in ClinVar:

NM_021224.6(ZNF462):c.3905C>T (p.Ala1302Val)

Gene: ZNF462 (zinc finger protein 462; plus strand). Cytogenetic location: 9q31.2.
Variant type: single nucleotide variant.
Coding change: c.3905C>T on transcript NM_021224.6 (MANE Select); coding-DNA position 3905, C replaced by T.
Protein change: p.Ala1302Val; replaces alanine 1302 with valine.
Molecular consequence: missense variant. On other transcripts: intron variant (1).
Genome position (GRCh38, 1-based): chr9:106,927,817, C>T. VCF-style: chr9-106927817-C-T. GRCh37 (hg19) VCF-style: chr9-109690098-C-T.
Other names: c.3252+653C>T (NM_001347997.2); short protein forms A1302V.
Identifiers: ClinVar variation 2662779 (VCV002662779.1), dbSNP rs2538786721, ClinGen allele CA374405911.

ClinVar aggregate classification (germline): Uncertain significance (1 of 4 stars; one submission).

Submission:

GeneDx
Classification: Uncertain significance. Last evaluated: 2023-04-08. Review status: criteria provided, single submitter. Criteria: GeneDx Variant Classification Process June 2021. Collection method: clinical testing. Allele origin: germline. Affected: yes.
Comment: Not observed at significant frequency in large population cohorts (gnomAD); In silico analysis supports that this missense variant does not alter protein structure/function; Has not been previously published as pathogenic or benign to our knowledge